The following is an entry in ClinVar:

ClinVar aggregate classification (germline): Likely benign (1 of 4 stars; one submission).

Submission:

GeneDx
Classification: Likely benign. Last evaluated: 2011-10-24. Review status: criteria provided, single submitter. Criteria: GeneDx Variant Classification (06012015). Collection method: clinical testing. Allele origin: germline. Affected: yes.
Comment: This variant is considered likely benign or benign based on one or more of the following criteria: it is a conservative change, it occurs at a poorly conserved position in the protein, it is predicted to be benign by multiple in silico algorithms, and/or has population frequency not consistent with disease.

NM_005751.5(AKAP9):c.8912A>G (p.His2971Arg)

Gene: AKAP9 (A-kinase anchoring protein 9; plus strand). Cytogenetic location: 7q21.2.
Variant type: single nucleotide variant.
Coding change: c.8912A>G on transcript NM_005751.5 (MANE Select); coding-DNA position 8912, A replaced by G.
Protein change: p.His2971Arg; replaces histidine 2971 with arginine.
Molecular consequence: missense variant.
Genome position (GRCh38, 1-based): chr7:92,085,574, A>G. VCF-style: chr7-92085574-A-G. GRCh37 (hg19) VCF-style: chr7-91714888-A-G.
Other names: p.H2971R:CAT>CGT; c.3557A>G, p.His1186Arg (NM_001379277.1); c.8888A>G, p.His2963Arg (NM_147185.3); short protein forms H2971R, H2963R, H1186R.
Identifiers: ClinVar variation 190493 (VCV000190493.1), dbSNP rs786205710, ClinGen allele CA300630.